The following is an entry in ClinVar:

ClinVar aggregate classification (germline): Uncertain significance (1 of 4 stars; one submission).

Submission:

GeneDx
Classification: Uncertain significance. Last evaluated: 2019-09-05. Review status: criteria provided, single submitter. Criteria: GeneDx Variant Classification Process June 2021. Collection method: clinical testing. Allele origin: germline. Affected: yes.
Comment: Not observed in large population cohorts (Lek et al., 2016); In silico analysis, which includes protein predictors and evolutionary conservation, supports a deleterious effect; Has not been previously published as pathogenic or benign to our knowledge

NM_000302.4(PLOD1):c.230A>C (p.Lys77Thr)

Gene: PLOD1 (procollagen-lysine,2-oxoglutarate 5-dioxygenase 1; plus strand). Cytogenetic location: 1p36.22.
Variant type: single nucleotide variant.
Coding change: c.230A>C on transcript NM_000302.4 (MANE Select); coding-DNA position 230, A replaced by C.
Protein change: p.Lys77Thr; replaces lysine 77 with threonine.
Molecular consequence: missense variant.
Genome position (GRCh38, 1-based): chr1:11,949,834, A>C. VCF-style: chr1-11949834-A-C. GRCh37 (hg19) VCF-style: chr1-12009891-A-C.
Other names: c.371A>C, p.Lys124Thr (NM_001316320.2); short protein forms K124T, K77T.
Identifiers: ClinVar variation 1312114 (VCV001312114.2), dbSNP rs2100743417, ClinGen allele CA338426292.
Genomic context (GRCh38, chr1:11,949,834, plus strand): 5'-CGCTTGGCCTAGGGGAGGACTGGAATGTGGAGAAGGGGACGTCGGCAGGTGGAGGGCAGA[A>C]GGTCCGGCTGCTGAAGAAAGCTCTGGAGAAGCACGCAGACAAGGAGGATCTGGTCATTCT-3'
Protein context (NP_000293.2, residues 67-87): EKGTSAGGGQ[Lys77Thr]VRLLKKALEK